The following is an entry in ClinVar:

NM_004793.4(LONP1):c.109G>A (p.Ala37Thr)

Gene: LONP1 (lon peptidase 1, mitochondrial; minus strand). Cytogenetic location: 19p13.3.
Variant type: single nucleotide variant.
Coding change: c.109G>A on transcript NM_004793.4 (MANE Select); coding-DNA position 109, G replaced by A.
Protein change: p.Ala37Thr; replaces alanine 37 with threonine.
Molecular consequence: missense variant. On other transcripts: intron variant (1).
Genome position (GRCh38, 1-based): chr19:5,720,024, C>T on the plus strand (G>A on the coding strand, the complement: LONP1 is on the minus strand). VCF-style: chr19-5720024-C-T. GRCh37 (hg19) VCF-style: chr19-5720035-C-T.
Other names: c.109G>A, p.Ala37Thr (NM_001276479.2); c.-160+195G>A (NM_001276480.1); short protein forms A37T.
Identifiers: ClinVar variation 4848842 (VCV004848842.1).

ClinVar aggregate classification (germline): Uncertain significance (1 of 4 stars; one submission).

gnomAD v4.1: 2 of 1,565,316 alleles (0.00013%); highest among the groups gnomAD compares: South Asian, 0.0023%; no homozygotes.

Submission:

Women's Health and Genetics/Laboratory Corporation of America, LabCorp
Classification: Uncertain significance. Last evaluated: 2026-04-07. Review status: criteria provided, single submitter. Criteria: LabCorp Variant Classification Summary - May 2015. Collection method: clinical testing. Allele origin: germline.
Comment: Variant summary: LONP1 c.109G>A (p.Ala37Thr) results in a non-conservative amino acid change in the encoded protein sequence. Algorithms developed to predict the effect of missense changes on protein structure and function are either unavailable or do not agree on the potential impact of this missense change. The frequency data for this variant in gnomAD is considered unreliable, as metrics indicate poor data quality at this position. To our knowledge, no occurrence of c.109G>A in individuals affected with LONP1-related conditions and no experimental evidence demonstrating its impact on protein function have been reported. No submitters have cited clinical-significance assessments for this variant to ClinVar. Based on the evidence outlined above, the variant was classified as uncertain significance.